The following is an entry in ClinVar:

ClinVar aggregate classification (germline): Pathogenic (1 of 4 stars; one submission).

Conditions:
Hypophosphatemic rickets, X-linked recessive (XLHRR). Identifiers: Orphanet 1652, Orphanet 93622, MedGen C1845168, MONDO:0010358, OMIM 300554.
Proteinuria, low molecular weight, with hypercalciuria and nephrocalcinosis. Identifiers: Orphanet 1652, Orphanet 93622, MedGen C1839874, MONDO:0010644, OMIM 308990.
Dent disease type 1 (DENT1). Also called: NEPHROLITHIASIS 2; NEPHROLITHIASIS, HYPERCALCIURIC, X-LINKED. Identifiers: Orphanet 1652, Orphanet 93622, MedGen C1848336, MONDO:0010225, OMIM 300009.
X-linked recessive nephrolithiasis with renal failure (XRN). Also called: NEPHROLITHIASIS 1; NEPHROLITHIASIS, X-LINKED RECESSIVE, TYPE 1; UROLITHIASIS, X-LINKED RECESSIVE, TYPE 1. Identifiers: Orphanet 1652, Orphanet 93622, MedGen C0403720, MONDO:0010687, OMIM 310468.

Submission:

Rare Kidney Stone Consortium and the Mayo Clinic Hyperoxaluria Center, Mayo Clinic
Classification: Pathogenic for Dent disease type 1; Hypophosphatemic rickets, X-linked recessive; X-linked recessive nephrolithiasis with renal failure; Proteinuria, low molecular weight, with hypercalciuria and nephrocalcinosis. Last evaluated: 2025-10-03. Review status: criteria provided, single submitter. Criteria: ACMG Guidelines, 2015. Collection method: research. Allele origin: germline. Affected: yes. Observed: 1 variant allele.
Comment: ACMG:PM1, PM2, PP1-M, PP3, PP4

Literature cited by the submitters: PubMed 29058463; PubMed 31328266; PubMed 40794449.

NM_001127898.4(CLCN5):c.1799G>T (p.Gly600Val)

Genes: CLCN5 (Cl-/H+ antiporter 5; plus strand), LOC126863258 (BRD4-independent group 4 enhancer GRCh37_chrX:49854497-49855696; plus strand). Cytogenetic location: Xp11.23.
Variant type: single nucleotide variant.
Coding change: c.1799G>T on transcript NM_001127898.4 (MANE Select); coding-DNA position 1799, G replaced by T.
Protein change: p.Gly600Val; replaces glycine 600 with valine.
Molecular consequence: missense variant. On other transcripts: non-coding transcript variant (1).
Genome position (GRCh38, 1-based): chrX:50,090,170, G>T. VCF-style: chrX-50090170-G-T. GRCh37 (hg19) VCF-style: chrX-49854827-G-T.
Other names: c.1589G>T, p.Gly530Val (NM_000084.5); c.1799G>T, p.Gly600Val (NM_001127899.4); c.1649G>T, p.Gly550Val (NM_001282163.2); c.1811G>T, p.Gly604Val (NM_001440756.1, NM_001440757.1); short protein forms G530V, G550V, G600V, G604V.
Identifiers: ClinVar variation 4526846 (VCV004526846.1).